The following is an entry in ClinVar:

ClinVar aggregate classification (germline): Likely benign (1 of 4 stars; one submission).

Conditions:
ARHGAP29-related disorder. Also called: ARHGAP29-related condition; ARHGAP29-Related Disorders.

gnomAD v4.1: 83 of 1,563,014 alleles (0.0053%); highest among the groups gnomAD compares: Non-Finnish European, 0.0069%; no homozygotes.

Submission:

PreventionGenetics, part of Exact Sciences
Classification: Likely benign for ARHGAP29-related condition. Last evaluated: 2024-10-16. Review status: criteria provided, single submitter. Criteria: ACMG Guidelines, 2015. Collection method: clinical testing. Allele origin: germline.
Comment: This variant is classified as likely benign based on ACMG/AMP sequence variant interpretation guidelines (Richards et al. 2015 PMID: 25741868, with internal and published modifications).

NM_004815.4(ARHGAP29):c.2109+8A>G

Gene: ARHGAP29 (Rho GTPase activating protein 29; minus strand). Cytogenetic location: 1p22.1.
Variant type: single nucleotide variant.
Coding change: c.2109+8A>G on transcript NM_004815.4 (MANE Select); 8 bases into the intron after coding-DNA position 2109, A replaced by G.
Molecular consequence: intron variant.
Genome position (GRCh38, 1-based): chr1:94,184,864, T>C on the plus strand (A>G on the coding strand, the complement: ARHGAP29 is on the minus strand). VCF-style: chr1-94184864-T-C. GRCh37 (hg19) VCF-style: chr1-94650420-T-C.
Other names: c.1917+8A>G (NM_001328665.2, NM_001328667.2); c.2109+8A>G (NM_001328664.2); c.2082+8A>G (NM_001328666.2).
Identifiers: ClinVar variation 4977489 (VCV004977489.1).